The following is an entry in ClinVar:

ClinVar aggregate classification (germline): Uncertain significance (1 of 4 stars; one submission).

Submission:

Mayo Clinic Laboratories, Mayo Clinic
Classification: Uncertain significance. Last evaluated: 2025-07-15. Review status: criteria provided, single submitter. Criteria: ACMG Guidelines, 2015. Collection method: clinical testing. Allele origin: germline. Observed: 1 variant allele.
Comment: BP4_moderate, PM2_supporting

NM_001943.5(DSG2):c.2651C>T (p.Ser884Phe)

Genes: DSG2 (desmoglein 2; plus strand), DSG2-AS1 (DSG2 antisense RNA 1; minus strand). Cytogenetic location: 18q12.1.
Variant type: single nucleotide variant.
Coding change: c.2651C>T on transcript NM_001943.5 (MANE Select); coding-DNA position 2651, C replaced by T.
Protein change: p.Ser884Phe; replaces serine 884 with phenylalanine.
Molecular consequence: missense variant.
Genome position (GRCh38, 1-based): chr18:31,546,037, C>T. VCF-style: chr18-31546037-C-T. GRCh37 (hg19) VCF-style: chr18-29126000-C-T.
Other names: p.Ser884Phe; short protein forms S884F.
Identifiers: ClinVar variation 4542257 (VCV004542257.1).